The following is an entry in ClinVar:

NM_015474.4(SAMHD1):c.715ATG[1] (p.Met240del)

Gene: SAMHD1 (SAM and HD domain containing deoxynucleoside triphosphate triphosphohydrolase 1; minus strand). Cytogenetic location: 20q11.23.
Variant type: Microsatellite.
Coding change: c.715ATG[1] on transcript NM_015474.4 (MANE Select); one copy of the 3-base unit ATG starting at c.715; the reference has two copies in a row; one copy, 3 bases deleted.
Protein change: p.Met240del; deletes methionine 240.
Molecular consequence: inframe deletion.
Genome position (GRCh38, 1-based): chr20:36,919,496-36,919,498, CAT deleted on the plus strand (ATG on the coding strand, the reverse complement: SAMHD1 is on the minus strand); deleting any 3 consecutive bases within chr20:36,919,496-36,919,501 gives the same sequence; the position shown is the placement nearest the transcript's 3' end. VCF-style (leftmost placement, unchanged base first): chr20-36919495-ACAT-A. GRCh37 (hg19) VCF-style: chr20-35547898-ACAT-A.
Other names: c.715ATG[1], p.Met240del (NM_001363729.2, NM_001363733.2); short protein forms M240del.
Identifiers: ClinVar variation 2180771 (VCV002180771.1), dbSNP rs1355993629, ClinGen allele CA635407623.
Genomic context (GRCh38, chr20:36,919,495, plus strand): 5'-GGATGAGACCATATTGTTCCATGACAGGCTTAATTCCATTAGAATTAATAAGGTGCTCAA[ACAT>A]CATAACTGAGCCTTGTTCATGCTAGGAAAAGTAAGCACAATATGATGTGTTAAAGATTCT-3'

ClinVar aggregate classification (germline): Uncertain significance (1 of 4 stars; one submission).

Conditions:
Aicardi-Goutieres syndrome 5. Identifiers: Orphanet 51, MedGen C2749659, MONDO:0013059, OMIM 612952.

Submission:

Labcorp Genetics (formerly Invitae), Labcorp
Classification: Uncertain significance for Aicardi-Goutieres syndrome 5. Last evaluated: 2022-06-26. Review status: criteria provided, single submitter. Criteria: Invitae Variant Classification Sherloc (09022015). Collection method: clinical testing. Allele origin: germline.
Comment: This variant, c.718_720del, results in the deletion of 1 amino acid(s) of the SAMHD1 protein (p.Met240del), but otherwise preserves the integrity of the reading frame. This variant is present in population databases (no rsID available, gnomAD 0.003%). This variant has not been reported in the literature in individuals affected with SAMHD1-related conditions. Experimental studies and prediction algorithms are not available or were not evaluated, and the functional significance of this variant is currently unknown. In summary, the available evidence is currently insufficient to determine the role of this variant in disease. Therefore, it has been classified as a Variant of Uncertain Significance.